The following is an entry in ClinVar:

ClinVar aggregate classification (germline): Likely pathogenic (1 of 4 stars; one submission).

Conditions:
Abetalipoproteinaemia (ABL). Also called: Abetalipoproteinemia; Abetalipoproteinemia neuropathy; Apolipoprotein B deficiency; Congenital betalipoprotein deficiency syndrome; MTP DEFICIENCY. Identifiers: Orphanet 14, MedGen C0000744, MONDO:0008692, OMIM 200100, HP:0008181.

Submission:

Myriad Genetics, Inc.
Classification: Likely pathogenic for Abetalipoproteinaemia. Last evaluated: 2019-01-25. Review status: criteria provided, single submitter. Criteria: Myriad Women's Health Autosomal Recessive and X-Linked Classification Criteria (2019). Collection method: clinical testing. Allele origin: unknown.
Comment: NM_000253.2(MTTP):c.1067T>G(L356*) is expected to be pathogenic in the context of abetalipoproteinemia. This variant is predicted to lead to an abnormal or absent protein product due to the creation of a premature termination codon in MTTP, a gene where loss-of-function variants are known to be pathogenic. Please note: this variant was assessed in the context of healthy population screening.

NM_001386140.1(MTTP):c.1067T>G (p.Leu356Ter)

Gene: MTTP (microsomal triglyceride transfer protein; plus strand). Cytogenetic location: 4q23.
Variant type: single nucleotide variant.
Coding change: c.1067T>G on transcript NM_001386140.1 (MANE Select); coding-DNA position 1067, T replaced by G.
Protein change: p.Leu356Ter; replaces leucine 356 with a stop codon.
Molecular consequence: nonsense.
Genome position (GRCh38, 1-based): chr4:99,597,224, T>G. VCF-style: chr4-99597224-T-G. GRCh37 (hg19) VCF-style: chr4-100518381-T-G.
Other names: c.1067T>G, p.Leu356Ter (NM_000253.4); c.818T>G, p.Leu273Ter (NM_001300785.2); short protein forms L273*, L356*.
Identifiers: ClinVar variation 983694 (VCV000983694.3), dbSNP rs1725580386, ClinGen allele CA357507214.
Genomic context (GRCh38, chr4:99,597,224, plus strand): 5'-TCAGGACTGCGAAGAAAGAAGAGATCCTTCAAATACTAAAGATGGAAAATAAGGAAGTAT[T>G]GTAAGTTCCCCAACCTTTGTGTGGGGTTGTCTGTCAGAAACATTTCTGGATTGTTGGTTT-3'